The following is an entry in ClinVar:

NM_000407.5(GP1BB):c.362C>T (p.Pro121Leu)

Genes: GP1BB (glycoprotein Ib platelet subunit beta; plus strand), SEPT5-GP1BB (SEPT5-GP1BB readthrough; plus strand). Cytogenetic location: 22q11.21.
Variant type: single nucleotide variant.
Coding change: c.362C>T on transcript NM_000407.5 (MANE Select); coding-DNA position 362, C replaced by T.
Protein change: p.Pro121Leu; replaces proline 121 with leucine.
Molecular consequence: missense variant. On other transcripts: non-coding transcript variant (2).
Genome position (GRCh38, 1-based): chr22:19,724,205, C>T. VCF-style: chr22-19724205-C-T. GRCh37 (hg19) VCF-style: chr22-19711728-C-T.
Other names: short protein forms P121L.
Identifiers: ClinVar variation 3894558 (VCV003894558.1).
Genomic context (GRCh38, chr22:19,724,205, plus strand): 5'-GCGCCTGGCTGGCCGGCCGCCCCGAGCGTGCGCCCTACCGCGACCTGCGTTGCGTGGCGC[C>T]CCCAGCGCTGCGCGGCCGCCTGCTGCCCTATCTGGCCGAGGACGAGCTGCGCGCCGCTTG-3'
Protein context (NP_000398.1, residues 111-131): APYRDLRCVA[Pro121Leu]PALRGRLLPY

ClinVar aggregate classification (germline): Uncertain significance (1 of 4 stars; one submission).

Conditions:
Bernard Soulier syndrome (BSS). Also called: BLEEDING DISORDER, PLATELET-TYPE, 1; GLYCOPROTEIN Ib, PLATELET, DEFICIENCY OF; PLATELET GLYCOPROTEIN Ib DEFICIENCY; VON WILLEBRAND FACTOR RECEPTOR DEFICIENCY; Giant platelet syndrome; Hemorrhagiparous thrombocytic dystrophy. Identifiers: Orphanet 274, MedGen C0005129, MeSH D001606, MONDO:0009276, OMIM 231200.

gnomAD v4.1: 2 of 1,228,152 alleles (0.00016%); highest among the groups gnomAD compares: Non-Finnish European, 0.0002%; no homozygotes.

Submission:

MVZ Medizinische Genetik Mainz
Classification: Uncertain significance for Bernard Soulier syndrome. Last evaluated: 2025-03-11. Review status: criteria provided, single submitter. Criteria: UK Practice Guidelines For Variant Classification V4 01 2020. Collection method: clinical testing. Allele origin: germline. Inheritance: Autosomal dominant inheritance. Affected: yes. Observed: 1 variant allele.
Comment: ACMG Criteria: PM2_SUP,PM5_SUP,PP3,PP4